The following is an entry in ClinVar:

NM_017849.4(TMEM127):c.-2G>A

Genes: TMEM127 (transmembrane protein 127; minus strand), LOC129934333 (ATAC-STARR-seq lymphoblastoid silent region 11759; plus strand). Cytogenetic location: 2q11.2.
Variant type: single nucleotide variant.
Coding change: c.-2G>A on transcript NM_017849.4 (MANE Select); 2 bases upstream of the start codon, G replaced by A.
Molecular consequence: 5 prime UTR variant. On other transcripts: intron variant (1).
Genome position (GRCh38, 1-based): chr2:96,265,383, C>T on the plus strand (G>A on the coding strand, the complement: TMEM127 is on the minus strand). VCF-style: chr2-96265383-C-T. GRCh37 (hg19) VCF-style: chr2-96931121-C-T.
Other names: c.-2G>A (NM_001193304.3); c.-9+486G>A (NM_001407283.1).
Identifiers: ClinVar variation 822529 (VCV000822529.5), dbSNP rs1409272666, ClinGen allele CA915944083.

ClinVar aggregate classification (germline): Uncertain significance (1 of 4 stars; one submission).

Conditions:
Hereditary cancer-predisposing syndrome. Also called: Tumor predisposition; Hereditary Cancer Syndrome; Neoplastic Syndromes, Hereditary; Hereditary neoplastic syndrome. Identifiers: Orphanet 140162, MedGen C0027672, MeSH D009386, MONDO:0015356.

Submission:

Ambry Genetics
Classification: Uncertain significance for Hereditary cancer-predisposing syndrome. Last evaluated: 2023-05-31. Review status: criteria provided, single submitter. Criteria: Ambry Variant Classification Scheme 2023. Collection method: clinical testing. Allele origin: germline.
Comment: The c.-2G>A variant is located in the 5' untranslated region (5&rsquo; UTR) of the TMEM127 gene. This variant results from a G to A substitution 2 bases upstream from the first translated codon. This nucleotide position is well conserved in available vertebrate species. Since supporting evidence is limited at this time, the clinical significance of this alteration remains unclear.